The following is an entry in ClinVar:

ClinVar aggregate classification (germline): Uncertain significance (1 of 4 stars; one submission).

Conditions:
Kabuki syndrome. Also called: NIIKAWA-KUROKI SYNDROME; Kabuki make-up syndrome. Identifiers: Orphanet 2322, MedGen C0796004, MONDO:0016512.

Submission:

Labcorp Genetics (formerly Invitae), Labcorp
Classification: Uncertain significance for Kabuki syndrome. Last evaluated: 2024-10-19. Review status: criteria provided, single submitter. Criteria: Invitae Variant Classification Sherloc (09022015). Collection method: clinical testing. Allele origin: germline.
Comment: This sequence change falls in intron 4 of the KMT2D gene. It does not directly change the encoded amino acid sequence of the KMT2D protein. This variant is not present in population databases (gnomAD no frequency). This variant has not been reported in the literature in individuals affected with KMT2D-related conditions. Algorithms developed to predict the effect of sequence changes on RNA splicing suggest that this variant may disrupt the consensus splice site. In summary, the available evidence is currently insufficient to determine the role of this variant in disease. Therefore, it has been classified as a Variant of Uncertain Significance.

NM_003482.4(KMT2D):c.511-12T>A

Gene: KMT2D (lysine methyltransferase 2D; minus strand). Cytogenetic location: 12q13.12.
Variant type: single nucleotide variant.
Coding change: c.511-12T>A on transcript NM_003482.4 (MANE Select); 12 bases into the intron before coding-DNA position 511, T replaced by A.
Molecular consequence: intron variant.
Genome position (GRCh38, 1-based): chr12:49,054,152, A>T on the plus strand (T>A on the coding strand, the complement: KMT2D is on the minus strand). VCF-style: chr12-49054152-A-T. GRCh37 (hg19) VCF-style: chr12-49447935-A-T.
Identifiers: ClinVar variation 3723287 (VCV003723287.2).